The following is an entry in ClinVar:

NM_001018115.3(FANCD2):c.64+12G>C

Gene: FANCD2 (FA complementation group D2; plus strand). Cytogenetic location: 3p25.3.
Variant type: single nucleotide variant.
Coding change: c.64+12G>C on transcript NM_001018115.3 (MANE Select); 12 bases into the intron after coding-DNA position 64, G replaced by C.
Molecular consequence: intron variant.
Genome position (GRCh38, 1-based): chr3:10,028,733, G>C. VCF-style: chr3-10028733-G-C. GRCh37 (hg19) VCF-style: chr3-10070417-G-C.
Other names: c.64+12G>C (NM_033084.4, NM_001319984.2, NM_001374253.1 and 3 more transcripts).
Identifiers: ClinVar variation 257085 (VCV000257085.21), dbSNP rs9833228, ClinGen allele CA2249085.

ClinVar aggregate classification (germline): Benign. Review status: criteria provided, multiple submitters, no conflicts (2 of 4 stars). 10 submissions from 10 submitters: Benign (8). 2 of the submissions do not count toward it. Last evaluated 2026-02-04.

Conditions:
Hereditary cancer-predisposing syndrome. Also called: Neoplastic Syndromes, Hereditary; Hereditary neoplastic syndrome; Hereditary Cancer Syndrome; Tumor predisposition. Identifiers: Orphanet 140162, MedGen C0027672, MeSH D009386, MONDO:0015356.
Hereditary breast ovarian cancer syndrome. Also called: Hereditary breast and ovarian cancer; Hereditary breast and ovarian cancer syndrome; Hereditary breast and/or ovarian cancer syndrome; BRCA1- and BRCA2-Associated Hereditary Breast and Ovarian Cancer; Hereditary breast and ovarian cancer syndrome (HBOC); Breast and ovarian cancer. Identifiers: Orphanet 145, MedGen C0677776, MeSH D061325, MONDO:0003582. Disease mechanism: loss of function.
Fanconi anemia (FA). Also called: Fanconi's anemia. Identifiers: Orphanet 84, MedGen C0015625, MeSH D005199, MONDO:0019391.
Fanconi anemia complementation group D2. Also called: FANCD2-Related Fanconi Anemia; FANCONI PANCYTOPENIA, TYPE 4; FANCONI ANEMIA, COMPLEMENTATION GROUP D. Identifiers: Orphanet 84, MedGen C3160738, MONDO:0009214, OMIM 227646.

Allele frequency attached by ClinVar (database versions not stated): gnomAD exomes 0.00221 and 0.00617; ExAC 0.00763; gnomAD 0.02477 and 0.02661; 1000 Genomes Project 0.02676; 1000 Genomes Project 30x 0.02842; TOPMed 0.02850; ESP Exome Variant Server 0.03060.
gnomAD v4.1: 7,146 of 1,608,118 alleles (0.44%); highest among the groups gnomAD compares: African/African-American, 8.4%; 314 homozygotes.

Submissions (10):

Labcorp Genetics (formerly Invitae), Labcorp
Classification: Benign for Fanconi anemia. Last evaluated: 2026-02-04. Review status: criteria provided, single submitter. Criteria: Invitae Variant Classification Sherloc (09022015). Collection method: clinical testing. Allele origin: germline.

Molecular Diagnostics Laboratory, Catalan Institute of Oncology
Classification: Benign for Hereditary cancer-predisposing syndrome. Last evaluated: 2025-03-25. Review status: criteria provided, single submitter. Criteria: ACMG Guidelines, 2015. Collection method: clinical testing. Allele origin: germline.
Comment: BA1 c.64+12G>C located in intron 2 of the FANCD2 gene not very close to a canonical splice site, where the SpliceAI algorithm predicts no significant impact on splicing. The variant allele was found in 20332/23610 alleles (98 homozygotes), with a filter allele frequency of 8.17% at 99% confidence, within the African population in the gnomAD v2.1.1 database (non-cancer data set)(BA1). This variant has been identified in the ClinVar database (8x benign, 1x likely benign) and in the LOVD database (1x benign, 1x likely benign). Based on currently available information, the variant c.64+12G> is classified as a benign variant according ACMG guidelines.

ARUP Laboratories, Molecular Genetics and Genomics, ARUP Laboratories
Classification: Benign for Fanconi anemia complementation group D2. Last evaluated: 2024-12-20. Review status: criteria provided, single submitter. Criteria: ARUP Molecular Germline Variant Investigation Process 2024. Collection method: clinical testing. Allele origin: germline.

KCCC/NGS Laboratory, Kuwait Cancer Control Center
Classification: Benign for Fanconi anemia complementation group D2. Last evaluated: 2023-07-07. Review status: criteria provided, single submitter. Criteria: ACMG Guidelines, 2015. Collection method: clinical testing. Allele origin: germline. Affected: yes.

National Health Laboratory Service, Universitas Academic Hospital and University of the Free State
Classification: Benign for Hereditary breast ovarian cancer syndrome. Last evaluated: 2022-04-19. Review status: criteria provided, single submitter. Criteria: ACMG Guidelines, 2015. Collection method: clinical testing. Allele origin: germline. Affected: yes. Observed: 5 variant alleles.

GeneDx
Classification: Benign. Last evaluated: 2019-04-03. Review status: criteria provided, single submitter. Criteria: GeneDx Variant Classification Process June 2021. Collection method: clinical testing. Allele origin: germline. Affected: yes.

Illumina Laboratory Services, Illumina
Classification: Benign for Fanconi anemia complementation group D2. Last evaluated: 2018-01-13. Review status: criteria provided, single submitter. Criteria: ICSL Variant Classification Criteria 13 December 2019. Collection method: clinical testing. Allele origin: germline.
Comment: This variant was observed in the ICSL laboratory as part of a predisposition screen in an ostensibly healthy population. It had not been previously curated by ICSL or reported in the Human Gene Mutation Database (HGMD: prior to June 1st, 2018), and was therefore a candidate for classification through an automated scoring system. Utilizing variant allele frequency, disease prevalence and penetrance estimates, and inheritance mode, an automated score was calculated to assess if this variant is too frequent to cause the disease. Based on the score and internal cut-off values, a variant classified as benign is not then subjected to further curation. The score for this variant resulted in a classification of benign for this disease.

PreventionGenetics, part of Exact Sciences
Classification: Benign. Review status: criteria provided, single submitter. Criteria: ACMG Guidelines, 2015. Collection method: clinical testing. Allele origin: germline.

Genome Diagnostics Laboratory, Amsterdam University Medical Center
Classification: Benign. Review status: no assertion criteria provided. Collection method: clinical testing. Allele origin: germline. Affected: yes. Study: VKGL Data-share Consensus. Not counted in ClinVar's aggregate classification.

Laboratory of Diagnostic Genome Analysis, Leiden University Medical Center (LUMC)
Classification: Likely benign. Review status: no assertion criteria provided. Collection method: clinical testing. Allele origin: germline. Affected: yes. Study: VKGL Data-share Consensus. Not counted in ClinVar's aggregate classification.